The following is an entry in ClinVar:

ClinVar aggregate classification (germline): Uncertain significance (1 of 4 stars; one submission).

Conditions:
Inborn genetic diseases. Identifiers: MedGen C0950123, MeSH D030342.

Allele frequency attached by ClinVar (database versions not stated): gnomAD exomes below 0.00001.
gnomAD v4.1: 1 of 1,613,622 alleles (0.000062%); highest among the groups gnomAD compares: Non-Finnish European, 0.000085%; no homozygotes.

Submission:

Ambry Genetics
Classification: Uncertain significance for Inborn genetic diseases. Last evaluated: 2023-12-22. Review status: criteria provided, single submitter. Criteria: Ambry Variant Classification Scheme 2023. Collection method: clinical testing. Allele origin: germline.
Comment: The p.G152D variant (also known as c.455G>A) is located in coding exon 5 of the EPAS1 gene. The glycine at codon 152 is replaced by aspartic acid, an amino acid with similar properties. This change occurs in the first base pair of coding exon 5. This amino acid position is conserved. In addition, the in silico prediction for this alteration is inconclusive. Since supporting evidence is limited at this time, the clinical significance of this alteration remains unclear.

NM_001430.5(EPAS1):c.455G>A (p.Gly152Asp)

Genes: EPAS1 (endothelial PAS domain protein 1; plus strand), LOC126806210 (BRD4-independent group 4 enhancer GRCh37_chr2:46587586-46588785; plus strand). Cytogenetic location: 2p21.
Variant type: single nucleotide variant.
Coding change: c.455G>A on transcript NM_001430.5 (MANE Select); coding-DNA position 455, G replaced by A.
Protein change: p.Gly152Asp; replaces glycine 152 with aspartic acid.
Molecular consequence: missense variant.
Genome position (GRCh38, 1-based): chr2:46,360,638, G>A. VCF-style: chr2-46360638-G-A. GRCh37 (hg19) VCF-style: chr2-46587777-G-A.
Other names: short protein forms G152D.
Identifiers: ClinVar variation 3221653 (VCV003221653.1), dbSNP rs2546454843, ClinGen allele CA346698864.